The following is an entry in ClinVar:

ClinVar aggregate classification (germline): Uncertain significance (1 of 4 stars; one submission).

Submission:

GeneDx
Classification: Uncertain significance. Last evaluated: 2023-10-18. Review status: criteria provided, single submitter. Criteria: GeneDx Variant Classification Process June 2021. Collection method: clinical testing. Allele origin: germline. Affected: yes.
Comment: Not observed at significant frequency in large population cohorts (gnomAD); In silico analysis supports that this missense variant has a deleterious effect on protein structure/function; Has not been previously published as pathogenic or benign to our knowledge

NM_000540.3(RYR1):c.12931C>T (p.Arg4311Cys)

Gene: RYR1 (ryanodine receptor 1; plus strand). Cytogenetic location: 19q13.2.
Variant type: single nucleotide variant.
Coding change: c.12931C>T on transcript NM_000540.3 (MANE Select); coding-DNA position 12931, C replaced by T.
Protein change: p.Arg4311Cys; replaces arginine 4311 with cysteine.
Molecular consequence: missense variant.
Genome position (GRCh38, 1-based): chr19:38,565,265, C>T. VCF-style: chr19-38565265-C-T. GRCh37 (hg19) VCF-style: chr19-39055905-C-T.
Other names: c.12916C>T, p.Arg4306Cys (NM_001042723.2); short protein forms R4306C, R4311C.
Identifiers: ClinVar variation 3573573 (VCV003573573.1).